The following is an entry in ClinVar:

NM_001040105.2(MUC17):c.7608A>C (p.Ser2536=)

Gene: MUC17 (mucin 17, cell surface associated; plus strand). Cytogenetic location: 7q22.1.
Variant type: single nucleotide variant.
Coding change: c.7608A>C on transcript NM_001040105.2 (MANE Select); coding-DNA position 7608, A replaced by C.
Protein change: p.Ser2536=; no amino-acid change (serine 2536 retained).
Molecular consequence: synonymous variant. On other transcripts: non-coding transcript variant (1).
Genome position (GRCh38, 1-based): chr7:101,039,024, A>C. VCF-style: chr7-101039024-A-C. GRCh37 (hg19) VCF-style: chr7-100682305-A-C.
Identifiers: ClinVar variation 2657846 (VCV002657846.24), dbSNP rs541058271, ClinGen allele CA4403142.

ClinVar aggregate classification (germline): Likely benign (1 of 4 stars; one submission).

Allele frequency attached by ClinVar (database versions not stated): gnomAD 0.00001; gnomAD exomes 0.00002; ExAC 0.00005; 1000 Genomes Project 0.00060.
gnomAD v4.1: 28 of 1,613,384 alleles (0.0017%); highest among the groups gnomAD compares: South Asian, 0.029%; no homozygotes.

Submission:

CeGaT Center for Human Genetics Tuebingen
Classification: Likely benign. Last evaluated: 2025-11-01. Review status: criteria provided, single submitter. Criteria: CeGaT Center For Human Genetics Tuebingen Variant Classification Criteria Version 2. Collection method: clinical testing. Allele origin: germline. Affected: yes. Observed: 2 variant alleles.
Comment: MUC17: BP4, BP7